The following is an entry in ClinVar:

ClinVar aggregate classification (germline): Uncertain significance. Review status: criteria provided, multiple submitters, no conflicts (2 of 4 stars). 2 submissions from 2 submitters: Uncertain significance (2). Last evaluated 2023-10-13.

Conditions:
Methylmalonic acidemia due to transcobalamin receptor defect (MATR). Also called: METHYLMALONIC ACIDEMIA, TCblR TYPE; METHYLMALONIC ACIDURIA, TRANSIENT, DUE TO TRANSCOBALAMIN RECEPTOR DEFECT. Identifiers: Orphanet 280183, MedGen C4749905, MONDO:0013341, OMIM 613646.

Allele frequency attached by ClinVar (database versions not stated): gnomAD 0.00001; gnomAD exomes 0.00002 and 0.00003; ExAC 0.00003; 1000 Genomes Project 30x 0.00016; 1000 Genomes Project 0.00020.

Submissions (2):

Labcorp Genetics (formerly Invitae), Labcorp
Classification: Uncertain significance for Methylmalonic acidemia due to transcobalamin receptor defect. Last evaluated: 2023-10-13. Review status: criteria provided, single submitter. Criteria: Invitae Variant Classification Sherloc (09022015). Collection method: clinical testing. Allele origin: germline.
Comment: This sequence change replaces threonine, which is neutral and polar, with isoleucine, which is neutral and non-polar, at codon 244 of the CD320 protein (p.Thr244Ile). This variant is present in population databases (rs557939985, gnomAD 0.02%). This variant has not been reported in the literature in individuals affected with CD320-related conditions. ClinVar contains an entry for this variant (Variation ID: 1298738). An algorithm developed to predict the effect of missense changes on protein structure and function (PolyPhen-2) suggests that this variant is likely to be tolerated. In summary, the available evidence is currently insufficient to determine the role of this variant in disease. Therefore, it has been classified as a Variant of Uncertain Significance.

CeGaT Center for Human Genetics Tuebingen
Classification: Uncertain significance. Last evaluated: 2021-07-01. Review status: criteria provided, single submitter. Criteria: CeGaT Center For Human Genetics Tuebingen Variant Classification Criteria Version 2. Collection method: clinical testing. Allele origin: germline. Affected: yes. Observed: 1 variant allele.

NM_016579.4(CD320):c.731C>T (p.Thr244Ile)

Gene: CD320 (CD320 molecule; minus strand). Cytogenetic location: 19p13.2.
Variant type: single nucleotide variant.
Coding change: c.731C>T on transcript NM_016579.4 (MANE Select); coding-DNA position 731, C replaced by T.
Protein change: p.Thr244Ile; replaces threonine 244 with isoleucine.
Molecular consequence: missense variant.
Genome position (GRCh38, 1-based): chr19:8,302,581, G>A on the plus strand (C>T on the coding strand, the complement: CD320 is on the minus strand). VCF-style: chr19-8302581-G-A. GRCh37 (hg19) VCF-style: chr19-8367465-G-A.
Other names: c.605C>T, p.Thr202Ile (NM_001165895.2); short protein forms T202I, T244I.
Identifiers: ClinVar variation 1298738 (VCV001298738.38), dbSNP rs557939985, ClinGen allele CA9154627.
Genomic context (GRCh38, chr19:8,302,581, plus strand): 5'-AACCCCAGTGGGCGGAGGCGCTCCTGGGCTCGGAGCCAGGACAAAAGGAGGAGGGTGGCG[G>A]TGACCAGGCTTGCACTGAGCACCGCTGTGGGGAACAGATGGACAGAGGAGTAAGGAGGGG-3'
Protein context (NP_057663.1, residues 234-254): AAAVLSASLV[Thr244Ile]ATLLLLSWLR